The following is an entry in ClinVar:

NM_006245.4(PPP2R5D):c.1081-2A>G

Gene: PPP2R5D (protein phosphatase 2 regulatory subunit B'delta; plus strand). Cytogenetic location: 6p21.1.
Variant type: single nucleotide variant.
Coding change: c.1081-2A>G on transcript NM_006245.4 (MANE Select); the canonical splice acceptor site of the intron before coding-DNA position 1081, A replaced by G.
Molecular consequence: splice acceptor variant.
Genome position (GRCh38, 1-based): chr6:43,009,055, A>G. VCF-style: chr6-43009055-A-G. GRCh37 (hg19) VCF-style: chr6-42976793-A-G.
Other names: c.628-2A>G (NM_001270476.2); c.985-2A>G (NM_180976.3); c.763-2A>G (NM_180977.3).
Identifiers: ClinVar variation 5008407 (VCV005008407.1).

ClinVar aggregate classification (germline): Uncertain significance (1 of 4 stars; one submission).

Submission:

GeneDx
Classification: Uncertain significance. Last evaluated: 2026-02-23. Review status: criteria provided, single submitter. Criteria: GeneDx Variant Classification Process June 2021. Collection method: clinical testing. Allele origin: germline.
Comment: Not observed at significant frequency in large population cohorts (gnomAD); Has not been previously published as pathogenic or benign to our knowledge; Canonical splice site variant in a gene for which loss of function is not a known mechanism of disease